The following is an entry in ClinVar:

ClinVar aggregate classification (germline): Uncertain significance (1 of 4 stars; one submission).

gnomAD v4.1: 3 of 1,579,178 alleles (0.00019%); highest among the groups gnomAD compares: Admixed American, 0.0018%; no homozygotes.

Submission:

GeneDx
Classification: Uncertain significance. Last evaluated: 2026-04-02. Review status: criteria provided, single submitter. Criteria: GeneDx Variant Classification Process June 2021. Collection method: clinical testing. Allele origin: germline.
Comment: Not observed at significant frequency in large population cohorts (gnomAD); In silico analysis suggests that this missense variant does not alter protein structure/function; Has not been previously published as pathogenic or benign to our knowledge

NM_033056.4(PCDH15):c.5302C>T (p.Pro1768Ser)

Gene: PCDH15 (protocadherin related 15; minus strand). Cytogenetic location: 10q21.1.
Variant type: single nucleotide variant.
Coding change: c.5302C>T on transcript NM_033056.4 (MANE Plus Clinical); coding-DNA position 5302, C replaced by T.
Protein change: p.Pro1768Ser; replaces proline 1768 with serine.
Molecular consequence: missense variant. On other transcripts: intron variant (8).
Genome position (GRCh38, 1-based): chr10:53,822,424, G>A on the plus strand (C>T on the coding strand, the complement: PCDH15 is on the minus strand). VCF-style: chr10-53822424-G-A. GRCh37 (hg19) VCF-style: chr10-55582184-G-A.
Other names: c.5323C>T, p.Pro1775Ser (NM_001142763.2); c.5308C>T, p.Pro1770Ser (NM_001142764.2); c.5095C>T, p.Pro1699Ser (NM_001142765.2); c.5293C>T, p.Pro1765Ser (NM_001142766.2); c.5182C>T, p.Pro1728Ser (NM_001142767.2); c.5242C>T, p.Pro1748Ser (NM_001142768.2); c.5233C>T, p.Pro1745Ser (NM_001142773.2); c.5236C>T, p.Pro1746Ser (NM_001354404.2); and 7 more; short protein forms P1699S, P1728S, P1745S, P1746S, P1748S, P1765S, P1768S, P1770S.
Identifiers: ClinVar variation 5017777 (VCV005017777.1).